The following is an entry in ClinVar:

ClinVar aggregate classification (germline): Uncertain significance (1 of 4 stars; one submission).

Conditions:
Congenital myasthenic syndrome 20. Also called: Myasthenic syndrome, congenital, 20, presynaptic. Identifiers: MedGen C4310694, MONDO:0014939, OMIM 617143.
Neuronopathy, distal hereditary motor, type 7A. Also called: HARPER-YOUNG MYOPATHY; HMN VIIA; NEURONOPATHY, DISTAL HEREDITARY MOTOR, HARDING TYPE VIIA; NEUROPATHY, DISTAL HEREDITARY MOTOR, HARDING TYPE VIIA; Neuronopathy, distal hereditary motor, autosomal dominant 7; SPINAL MUSCULAR ATROPHY, DISTAL, WITH VOCAL CORD PARALYSIS. Identifiers: Orphanet 139589, MedGen C1834703, MONDO:0008024, OMIM 158580.

Allele frequency attached by ClinVar (database versions not stated): gnomAD exomes below 0.00001.
gnomAD v4.1: 1 of 1,613,802 alleles (0.000062%); highest among the groups gnomAD compares: Non-Finnish European, 0.000085%; no homozygotes.

Submission:

Labcorp Genetics (formerly Invitae), Labcorp
Classification: Uncertain significance for Neuronopathy, distal hereditary motor, type 7A; Congenital myasthenic syndrome 20. Last evaluated: 2019-12-13. Review status: criteria provided, single submitter. Criteria: Invitae Variant Classification Sherloc (09022015). Collection method: clinical testing. Allele origin: germline.
Comment: This sequence change replaces asparagine with serine at codon 470 of the SLC5A7 protein (p.Asn470Ser). The asparagine residue is moderately conserved and there is a small physicochemical difference between asparagine and serine. This variant is not present in population databases (ExAC no frequency). In summary, the available evidence is currently insufficient to determine the role of this variant in disease. Therefore, it has been classified as a Variant of Uncertain Significance. Algorithms developed to predict the effect of missense changes on protein structure and function output the following: SIFT: "Tolerated"; PolyPhen-2: "Benign"; Align-GVGD: "Class C0". The serine amino acid residue is found in multiple mammalian species, suggesting that this missense change does not adversely affect protein function. These predictions have not been confirmed by published functional studies and their clinical significance is uncertain. This variant has not been reported in the literature in individuals with SLC5A7-related conditions.

NM_021815.5(SLC5A7):c.1409A>G (p.Asn470Ser)

Gene: SLC5A7 (solute carrier family 5 member 7; plus strand). Cytogenetic location: 2q12.3.
Variant type: single nucleotide variant.
Coding change: c.1409A>G on transcript NM_021815.5 (MANE Select); coding-DNA position 1409, A replaced by G.
Protein change: p.Asn470Ser; replaces asparagine 470 with serine.
Molecular consequence: missense variant.
Genome position (GRCh38, 1-based): chr2:108,010,527, A>G. VCF-style: chr2-108010527-A-G. GRCh37 (hg19) VCF-style: chr2-108626983-A-G.
Other names: c.1409A>G, p.Asn470Ser (NM_001305005.3); c.1094A>G, p.Asn365Ser (NM_001305006.3); c.668A>G, p.Asn223Ser (NM_001305007.3); short protein forms N470S, N223S, N365S.
Identifiers: ClinVar variation 863574 (VCV000863574.7), dbSNP rs1678281220, ClinGen allele CA348114513.